The following is an entry in ClinVar:

ClinVar aggregate classification (germline): Pathogenic. Review status: criteria provided, multiple submitters, no conflicts (2 of 4 stars). 5 submissions from 5 submitters: Pathogenic (3). 2 of the submissions do not count toward it. Last evaluated 2024-12-17.

Conditions:
Marfan Syndrome/Loeys-Dietz Syndrome/Familial Thoracic Aortic Aneurysms and Dissections. Identifiers: MedGen CN229799.
Familial thoracic aortic aneurysm and aortic dissection (TAAD). Also called: Thoracic aortic aneurysms and dissections. Identifiers: Orphanet 91387, MedGen C4707243, MONDO:0019625.
Marfan syndrome (MFS). Also called: FBN1-Related Marfan Syndrome; Marfan syndrome type 1; Marfan's syndrome; Marfan syndrome, classic; MARFAN SYNDROME, TYPE I. Identifiers: Orphanet 284963, Orphanet 558, MedGen C0024796, MONDO:0007947, OMIM 154700.

Submissions (5):

Ambry Genetics
Classification: Pathogenic for Familial thoracic aortic aneurysm and aortic dissection. Last evaluated: 2024-12-17. Review status: criteria provided, single submitter. Criteria: Ambry Variant Classification Scheme 2023. Collection method: clinical testing. Allele origin: germline.
Comment: The p.Y754C pathogenic mutation (also known as c.2261A>G), located in coding exon 18 of the FBN1 gene, results from an A to G substitution at nucleotide position 2261. The tyrosine at codon 754 is replaced by cysteine, an amino acid with highly dissimilar properties. This mutation has been shown to segregate with disease in a family with ectopia lentis and a family with features of Marfan syndrome (Summers KM et al. Clin Genet, 2004 Jan;65:66-9; Li H et al. Mol Vis, 2012 Feb;18:504-11). This variant was also reported in individual(s) with features consistent with FBN1- related disease (Ambry internal data). The majority of FBN1 mutations identified to date have involved the substitution or generation of cysteine residues within cbEGF domains (Vollbrandt T et al. J Biol Chem. 2004;279(31):32924-32931). This amino acid position is well conserved in available vertebrate species. In addition, this alteration is predicted to be deleterious by in silico analysis. This variant is considered to be rare based on population cohorts in the Genome Aggregation Database (gnomAD). Based on the supporting evidence, this variant is interpreted as a disease-causing mutation.

Labcorp Genetics (formerly Invitae), Labcorp
Classification: Pathogenic for Marfan syndrome; Familial thoracic aortic aneurysm and aortic dissection. Last evaluated: 2023-08-22. Review status: criteria provided, single submitter. Criteria: Invitae Variant Classification Sherloc (09022015). Collection method: clinical testing. Allele origin: germline.
Comment: For these reasons, this variant has been classified as Pathogenic. Advanced modeling of protein sequence and biophysical properties (such as structural, functional, and spatial information, amino acid conservation, physicochemical variation, residue mobility, and thermodynamic stability) performed at Invitae indicates that this missense variant is expected to disrupt FBN1 protein function. ClinVar contains an entry for this variant (Variation ID: 16460). This missense change has been observed in individual(s) with ectopia lentis and/or Marfan syndrome (PMID: 15032979, 22393277, 31950671). It has also been observed to segregate with disease in related individuals. This variant is not present in population databases (gnomAD no frequency). This sequence change replaces tyrosine, which is neutral and polar, with cysteine, which is neutral and slightly polar, at codon 754 of the FBN1 protein (p.Tyr754Cys).

Women's Health and Genetics/Laboratory Corporation of America, LabCorp
Classification: Pathogenic for Marfan Syndrome/Loeys-Dietz Syndrome/Familial Thoracic Aortic Aneurysms and Dissections. Last evaluated: 2016-06-01. Review status: criteria provided, single submitter. Criteria: LabCorp Variant Classification Summary - May 2015. Collection method: clinical testing. Allele origin: germline.
Comment: Variant summary: The FBN1 c.2261A>G (p.Tyr754Cys) variant involves the alteration of a conserved nucleotide. 5/5 in silico tools predict a damaging outcome for this variant. This variant affects a conserved tyrosine that is involved in the interaction between adjacent EGF domains. It also introduces a seventh cysteine into exon 18 and is predicted to have a major effect on the structure of the protein. These predictions were confirmed by immunohistochemical staining of fibrillin in fibroblast culture from affected carriers which showed limited amount of fibrillin in the extracellular matrix in addition to disorganized and clumped appearance rather than fibrous structure. This variant is absent from 121586 control chromosomes. This variant has been reported in multiple affected families with MFS and FEL and was shown to co-segregate with disease. Taken together, the variant was classified as "Pathogenic".

Center for Medical Genetics Ghent, University of Ghent
Classification: Likely pathogenic for Marfan syndrome. Last evaluated: 2017-11-07. Review status: no assertion criteria provided. Collection method: clinical testing. Allele origin: germline. Affected: yes. Not counted in ClinVar's aggregate classification.

OMIM
Classification: Pathogenic for MARFAN SYNDROME. Last evaluated: 2004-01-01. Review status: no assertion criteria provided. Collection method: literature only. Allele origin: germline. Not counted in ClinVar's aggregate classification.

Literature cited by the submitters: PubMed 15032979 (cited by 4 submitters); PubMed 22393277 (cited by 3 submitters); PubMed 31950671 (cited by Labcorp Genetics (formerly Invitae), Labcorp).

NM_000138.5(FBN1):c.2261A>G (p.Tyr754Cys)

Gene: FBN1 (fibrillin 1; minus strand). Cytogenetic location: 15q21.1.
Variant type: single nucleotide variant.
Coding change: c.2261A>G on transcript NM_000138.5 (MANE Select); coding-DNA position 2261, A replaced by G.
Protein change: p.Tyr754Cys; replaces tyrosine 754 with cysteine.
Molecular consequence: missense variant.
Genome position (GRCh38, 1-based): chr15:48,497,298, T>C on the plus strand (A>G on the coding strand, the complement: FBN1 is on the minus strand). VCF-style: chr15-48497298-T-C. GRCh37 (hg19) VCF-style: chr15-48789495-T-C.
Other names: short protein forms Y754C.
Identifiers: ClinVar variation 16460 (VCV000016460.6), dbSNP rs137854479, ClinGen allele CA012911.
Genomic context (GRCh38, chr15:48,497,298, plus strand): 5'-GTTTCAGAAAATGGGTAAAACTTCTCACCAACGCAGTTTTTCCCAGTTGAATCCACTTCA[T>C]ATCCTGAATTGCATATACATTTATAGGTCCCACGAAGGTTTTCACAGATTCCATTTGGGC-3'
Protein context (NP_000129.3, residues 744-764): GTYKCICNSG[Tyr754Cys]EVDSTGKNCV